The following is an entry in ClinVar:

ClinVar aggregate classification (germline): Benign. Review status: reviewed by expert panel (3 of 4 stars). 4 submissions from 4 submitters: Benign (1). 3 of the submissions do not count toward it. Last evaluated 2013-09-05.

Conditions:
Lynch syndrome. Identifiers: Orphanet 144, MedGen C4552100, MONDO:0005835. Disease mechanism: loss of function.

Allele frequency attached by ClinVar (database versions not stated): gnomAD 0.54192; TOPMed 0.57364; 1000 Genomes Project 0.67232; gnomAD exomes 0.53473.
gnomAD v4.1: 344,575 of 636,550 alleles (54%); highest among the groups gnomAD compares: East Asian, 86%; 97,273 homozygotes.

Submissions (4):

International Society for Gastrointestinal Hereditary Tumours (InSiGHT)
Classification: Benign for Lynch Syndrome. Last evaluated: 2013-09-05. Review status: reviewed by expert panel. Criteria: Guidelines v1.9. Collection method: research. Allele origin: germline.
Comment: MAF >1%

Classified with v1.9 guidelines
ClinVar note: Converted during submission from no known pathogenicity to Benign.

GeneDx
Classification: Benign. Last evaluated: 2018-06-22. Review status: criteria provided, single submitter. Criteria: GeneDx Variant Classification Process June 2021. Collection method: clinical testing. Allele origin: germline. Affected: yes. Not counted in ClinVar's aggregate classification.

Breakthrough Genomics
Classification: Benign. Review status: criteria provided, single submitter. Criteria: ACMG Guidelines, 2015. Collection method: not provided. Allele origin: germline. Inheritance: Autosomal recessive inheritance. Affected: yes. Not counted in ClinVar's aggregate classification.

Department of Pathology and Laboratory Medicine, Sinai Health System
Classification: Uncertain significance. Review status: no assertion criteria provided. Collection method: clinical testing. Allele origin: unknown. Affected: yes. Study: The Canadian Open Genetics Repository (COGR). Not counted in ClinVar's aggregate classification.

NM_000179.3(MSH6):c.3556+146G>A

Gene: MSH6 (mutS homolog 6; plus strand). Cytogenetic location: 2p16.3.
Variant type: single nucleotide variant.
Coding change: c.3556+146G>A on transcript NM_000179.3 (MANE Select); 146 bases into the intron after coding-DNA position 3556, G replaced by A.
Molecular consequence: intron variant.
Genome position (GRCh38, 1-based): chr2:47,805,173, G>A. VCF-style: chr2-47805173-G-A. GRCh37 (hg19) VCF-style: chr2-48032312-G-A.
Other names: c.2650+146G>A (NM_001281493.2, NM_001281494.2); c.3166+146G>A (NM_001281492.2).
Identifiers: ClinVar variation 89410 (VCV000089410.7), dbSNP rs7562048, ClinGen allele CA013346.
Genomic context (GRCh38, chr2:47,805,173, plus strand): 5'-AATCTAATATTTGATTTTTCTGGTGTTACTTTAAAAACATCACTTTTTAAGAACTGCATA[G>A]TCTCTCTCTCTTTTTTTTTTTTTTGAGATGGAGTTTCCCTCTTGTTGCCCAAGCTGGAGT-3'